The following is an entry in ClinVar:

ClinVar aggregate classification (germline): Uncertain significance. Review status: criteria provided, multiple submitters, no conflicts (2 of 4 stars). 4 submissions from 4 submitters: Uncertain significance (4). Last evaluated 2025-06-04.

Conditions:
Inborn genetic diseases. Identifiers: MedGen C0950123, MeSH D030342.

gnomAD v4.1: 9 of 1,613,612 alleles (0.00056%); highest among the groups gnomAD compares: African/African-American, 0.0067%; no homozygotes.

Submissions (4):

Labcorp Genetics (formerly Invitae), Labcorp
Classification: Uncertain significance. Last evaluated: 2025-06-04. Review status: criteria provided, single submitter. Criteria: Invitae Variant Classification Sherloc (09022015). Collection method: clinical testing. Allele origin: germline.
Comment: This sequence change replaces phenylalanine, which is neutral and non-polar, with serine, which is neutral and polar, at codon 1217 of the SAMD9 protein (p.Phe1217Ser). This variant is present in population databases (rs762437452, gnomAD 0.007%). This variant has not been reported in the literature in individuals affected with SAMD9-related conditions. ClinVar contains an entry for this variant (Variation ID: 3713532). Invitae Evidence Modeling of protein sequence and biophysical properties (such as structural, functional, and spatial information, amino acid conservation, physicochemical variation, residue mobility, and thermodynamic stability) has been performed for this missense variant. However, the output from this modeling did not meet the statistical confidence thresholds required to predict the impact of this variant on SAMD9 protein function. In summary, the available evidence is currently insufficient to determine the role of this variant in disease. Therefore, it has been classified as a Variant of Uncertain Significance.

Ambry Genetics
Classification: Uncertain significance for Inborn genetic diseases. Last evaluated: 2025-01-06. Review status: criteria provided, single submitter. Criteria: Ambry Variant Classification Scheme 2023. Collection method: clinical testing. Allele origin: germline.
Comment: The p.F1217S variant (also known as c.3650T>C), located in coding exon 1 of the SAMD9 gene, results from a T to C substitution at nucleotide position 3650. The phenylalanine at codon 1217 is replaced by serine, an amino acid with highly dissimilar properties. This amino acid position is conserved. In addition, the in silico prediction for this alteration is inconclusive. Based on the available evidence, the clinical significance of this variant remains unclear.

GeneDx
Classification: Uncertain significance. Last evaluated: 2024-09-23. Review status: criteria provided, single submitter. Criteria: GeneDx Variant Classification Process June 2021. Collection method: clinical testing. Allele origin: germline. Affected: yes.
Comment: Not observed at significant frequency in large population cohorts (gnomAD); In silico analysis supports that this missense variant has a deleterious effect on protein structure/function; Has not been previously published as pathogenic or benign to our knowledge

Blueprint Genetics
Classification: Uncertain significance. Last evaluated: 2022-04-05. Review status: criteria provided, single submitter. Criteria: ACMG Guidelines, 2015. Collection method: clinical testing. Allele origin: germline.

NM_017654.4(SAMD9):c.3650T>C (p.Phe1217Ser)

Gene: SAMD9 (sterile alpha motif domain containing 9; minus strand). Cytogenetic location: 7q21.2.
Variant type: single nucleotide variant.
Coding change: c.3650T>C on transcript NM_017654.4 (MANE Select); coding-DNA position 3650, T replaced by C.
Protein change: p.Phe1217Ser; replaces phenylalanine 1217 with serine.
Molecular consequence: missense variant.
Genome position (GRCh38, 1-based): chr7:93,102,448, A>G on the plus strand (T>C on the coding strand, the complement: SAMD9 is on the minus strand). VCF-style: chr7-93102448-A-G. GRCh37 (hg19) VCF-style: chr7-92731761-A-G.
Other names: c.3650T>C, p.Phe1217Ser (NM_001193307.2); c.3650T>C (NM_017654.3); short protein forms F1217S.
Identifiers: ClinVar variation 3713532 (VCV003713532.5).
Genomic context (GRCh38, chr7:93,102,448, plus strand): 5'-TCACTACTTCCTGATACAAAATTGACCATATATCTTTTAGATAGCTCATTTTTATTATCA[A>G]AAAAAGGAATGAGCTGGAGAATTTGGATTGTGTAAAGCCCAACTTCTATCTCTCCTTGAT-3'
Protein context (NP_060124.2, residues 1207-1227): TIQILQLIPF[Phe1217Ser]DNKNELSKRY